The following is an entry in ClinVar:

ClinVar aggregate classification (germline): Pathogenic. Review status: criteria provided, multiple submitters, no conflicts (2 of 4 stars). 7 submissions from 7 submitters: Pathogenic (6). 1 of the submissions does not count toward it. Last evaluated 2026-06-30.

Conditions:
GRN-related frontotemporal lobar degeneration with Tdp43 inclusions (FTD2). Also called: DEMENTIA, HEREDITARY DYSPHASIC DISINHIBITION; FRONTOTEMPORAL LOBAR DEGENERATION WITH UBIQUITIN-POSITIVE INCLUSIONS; FTLD-TDP, GRN-RELATED; GRN Frontotemporal Dementia; FRONTOTEMPORAL DEMENTIA WITH TDP43 INCLUSIONS, GRN-RELATED. Identifiers: Orphanet 100070, Orphanet 282, MedGen C1843792, MONDO:0011842, OMIM 607485. Disease mechanism: loss of function.
Neuronal ceroid lipofuscinosis 11. Also called: GRN-Related Neuronal Ceroid-Lipofuscinosis. Identifiers: Orphanet 314629, Orphanet 79262, MedGen C3539123, MONDO:0013866, OMIM 614706.

Allele frequency attached by ClinVar (database versions not stated): gnomAD exomes below 0.00001.

Submissions (7):

Institute of Medical Genetics and Applied Genomics, University Hospital Tübingen
Classification: Pathogenic for GRN-related frontotemporal lobar degeneration with Tdp43 inclusions. Last evaluated: 2026-06-30. Review status: criteria provided, single submitter. Criteria: ACMG Guidelines, 2015. Collection method: clinical testing. Allele origin: germline. Inheritance: Autosomal dominant inheritance. Affected: yes.

Dasa
Classification: Pathogenic. Last evaluated: 2026-04-14. Review status: criteria provided, single submitter. Criteria: DASA Assertion Criteria. Collection method: clinical testing. Allele origin: germline.
Comment: NM_002087.4(GRN):c.768_769dup (p.Gln257Profs*27) introduces a premature termination codon predicted to result in loss of normal protein function. Loss-of-function is an established mechanism of disease for this gene. This variant has been recurrently observed in individuals with related phenotype (PMID: 27082848; PMID: 24022032; PMID: 31855245; PMID: 33351065). The variant is present at low frequency in population datasets. Based on the available data, this variant is classified as pathogenic.

Labcorp Genetics (formerly Invitae), Labcorp
Classification: Pathogenic for Neuronal ceroid lipofuscinosis 11; GRN-related frontotemporal lobar degeneration with Tdp43 inclusions. Last evaluated: 2022-08-21. Review status: criteria provided, single submitter. Criteria: Invitae Variant Classification Sherloc (09022015). Collection method: clinical testing. Allele origin: germline.
Comment: For these reasons, this variant has been classified as Pathogenic. ClinVar contains an entry for this variant (Variation ID: 803427). This variant is also known as g.1932_1933dupCC (p.Q257Pfs*26), g.10976_10977dupCC. This premature translational stop signal has been observed in individuals with autosomal dominant and recessive GRN-related conditions (PMID: 24022032, 27082848, 31855245). This variant is not present in population databases (gnomAD no frequency). This sequence change creates a premature translational stop signal (p.Gln257Profs*27) in the GRN gene. It is expected to result in an absent or disrupted protein product. Loss-of-function variants in GRN are known to be pathogenic (PMID: 16862116, 16950801, 22608501).

Mendelics
Classification: Pathogenic for GRN-related frontotemporal lobar degeneration with Tdp43 inclusions. Last evaluated: 2019-05-28. Review status: criteria provided, single submitter. Criteria: Mendelics Assertion Criteria 2017. Collection method: clinical testing. Allele origin: unknown.

Athena Diagnostics
Classification: Pathogenic. Last evaluated: 2018-09-10. Review status: criteria provided, single submitter. Criteria: Athena Diagnostics Criteria. Collection method: clinical testing. Allele origin: germline.
Comment: The variant results in a shift of the reading frame, and is therefore predicted to significantly disrupt the protein structure. Found in at least one symptomatic patient, and not found in general population data.

Clinical Genetics Service, Universitary Hospital 12 de Octubre
Classification: Pathogenic for GRN-related frontotemporal lobar degeneration with Tdp43 inclusions. Review status: criteria provided, single submitter. Criteria: ACMG Guidelines, 2015. Collection method: clinical testing. Allele origin: germline. Affected: yes.

OMIM
Classification: Pathogenic for CEROID LIPOFUSCINOSIS, NEURONAL, 11. Last evaluated: 2025-05-23. Review status: no assertion criteria provided. Collection method: literature only. Allele origin: germline. Not counted in ClinVar's aggregate classification.

Literature cited by the submitters: PubMed 27082848 (cited by 3 submitters); PubMed 24022032 (cited by 3 submitters); PubMed 31855245 (cited by 3 submitters); PubMed 33351065 (cited by Dasa and OMIM); PubMed 16862116 (cited by Labcorp Genetics (formerly Invitae), Labcorp); PubMed 16950801 (cited by Labcorp Genetics (formerly Invitae), Labcorp); PubMed 22608501 (cited by Labcorp Genetics (formerly Invitae), Labcorp); PubMed 22906081 (cited by Athena Diagnostics); PubMed 23813535 (cited by Athena Diagnostics); PubMed 28000352 (cited by Athena Diagnostics and OMIM).

NM_002087.4(GRN):c.768_769dup (p.Gln257fs)

Genes: FAM171A2 (family with sequence similarity 171 member A2; minus strand), GRN (granulin precursor; plus strand). Cytogenetic location: 17q21.31.
Variant type: Duplication.
Coding change: c.768_769dup on transcript NM_002087.4 (MANE Select); coding-DNA positions 768 to 769, 2 bases duplicated (CC; older notation c.768_769dupCC).
Protein change: p.Gln257fs; shifts the reading frame from glutamine 257.
Molecular consequence: frameshift variant.
Genome position (GRCh38, 1-based): chr17:44,351,096-44,351,097, CC duplicated. VCF-style (leftmost placement, unchanged base first): chr17-44351095-T-TCC. GRCh37 (hg19) VCF-style: chr17-42428463-T-TCC.
Other names: c.768_769dup (NM_002087.3); short protein forms Q257fs.
Identifiers: ClinVar variation 803427 (VCV000803427.11), dbSNP rs1567887004, ClinGen allele CA915950149.